The following is an entry in ClinVar:

NM_014806.5(RUSC2):c.1564G>T (p.Val522Leu)

Gene: RUSC2 (RUN and SH3 domain containing 2; plus strand). Cytogenetic location: 9p13.3.
Variant type: single nucleotide variant.
Coding change: c.1564G>T on transcript NM_014806.5 (MANE Select); coding-DNA position 1564, G replaced by T.
Protein change: p.Val522Leu; replaces valine 522 with leucine.
Molecular consequence: missense variant. On other transcripts: non-coding transcript variant (1), intron variant (1).
Genome position (GRCh38, 1-based): chr9:35,548,085, G>T. VCF-style: chr9-35548085-G-T. GRCh37 (hg19) VCF-style: chr9-35548082-G-T.
Other names: c.1564G>T, p.Val522Leu (NM_001135999.2); c.-620-6975G>T (NM_001330740.2); short protein forms V522L.
Identifiers: ClinVar variation 2105661 (VCV002105661.4), dbSNP rs760159839, ClinGen allele CA373334124.

ClinVar aggregate classification (germline): Uncertain significance (1 of 4 stars; one submission).

Submission:

Labcorp Genetics (formerly Invitae), Labcorp
Classification: Uncertain significance. Last evaluated: 2024-10-16. Review status: criteria provided, single submitter. Criteria: Invitae Variant Classification Sherloc (09022015). Collection method: clinical testing. Allele origin: germline.
Comment: This sequence change replaces valine, which is neutral and non-polar, with leucine, which is neutral and non-polar, at codon 522 of the RUSC2 protein (p.Val522Leu). This variant is present in population databases (no rsID available, gnomAD 0.0009%). This variant has not been reported in the literature in individuals affected with RUSC2-related conditions. ClinVar contains an entry for this variant (Variation ID: 2105661). An algorithm developed to predict the effect of missense changes on protein structure and function (PolyPhen-2) suggests that this variant is likely to be disruptive. In summary, the available evidence is currently insufficient to determine the role of this variant in disease. Therefore, it has been classified as a Variant of Uncertain Significance.